The following is an entry in ClinVar:

ClinVar aggregate classification (germline): Uncertain significance (1 of 4 stars; one submission).

Allele frequency attached by ClinVar (database versions not stated): gnomAD exomes below 0.00001; TOPMed below 0.00001; gnomAD 0.00001.
gnomAD v4.1: 4 of 1,614,096 alleles (0.00025%); highest among the groups gnomAD compares: Non-Finnish European, 0.00034%; no homozygotes.

Submission:

Labcorp Genetics (formerly Invitae), Labcorp
Classification: Uncertain significance. Last evaluated: 2024-11-18. Review status: criteria provided, single submitter. Criteria: Invitae Variant Classification Sherloc (09022015). Collection method: clinical testing. Allele origin: germline.
Comment: This sequence change replaces proline, which is neutral and non-polar, with serine, which is neutral and polar, at codon 25 of the POLR3A protein (p.Pro25Ser). This variant is not present in population databases (gnomAD no frequency). This variant has not been reported in the literature in individuals affected with POLR3A-related conditions. ClinVar contains an entry for this variant (Variation ID: 1490812). Invitae Evidence Modeling of protein sequence and biophysical properties (such as structural, functional, and spatial information, amino acid conservation, physicochemical variation, residue mobility, and thermodynamic stability) indicates that this missense variant is not expected to disrupt POLR3A protein function with a negative predictive value of 80%. In summary, the available evidence is currently insufficient to determine the role of this variant in disease. Therefore, it has been classified as a Variant of Uncertain Significance.

NM_007055.4(POLR3A):c.73C>T (p.Pro25Ser)

Gene: POLR3A (RNA polymerase III subunit A; minus strand). Cytogenetic location: 10q22.3.
Variant type: single nucleotide variant.
Coding change: c.73C>T on transcript NM_007055.4 (MANE Select); coding-DNA position 73, C replaced by T.
Protein change: p.Pro25Ser; replaces proline 25 with serine.
Molecular consequence: missense variant.
Genome position (GRCh38, 1-based): chr10:78,026,201, G>A on the plus strand (C>T on the coding strand, the complement: POLR3A is on the minus strand). VCF-style: chr10-78026201-G-A. GRCh37 (hg19) VCF-style: chr10-79785959-G-A.
Other names: short protein forms P25S.
Identifiers: ClinVar variation 1490812 (VCV001490812.6), dbSNP rs1847633317, ClinGen allele CA377347674.